The following is an entry in ClinVar:

ClinVar aggregate classification (germline): Uncertain significance. Review status: criteria provided, multiple submitters, no conflicts (2 of 4 stars). 2 submissions from 2 submitters: Uncertain significance (2). Last evaluated 2024-12-04.

Conditions:
Dilated cardiomyopathy 1G (CMD1G). Identifiers: Orphanet 154, MedGen C1858763, MONDO:0011400, OMIM 604145.
Autosomal recessive limb-girdle muscular dystrophy type 2J (LGMDR10). Also called: Limb-girdle muscular dystrophy, type 2J; MUSCULAR DYSTROPHY, LIMB-GIRDLE, AUTOSOMAL RECESSIVE 10. Identifiers: Orphanet 140922, MedGen C1837342, MONDO:0012127, OMIM 608807.

Allele frequency attached by ClinVar (database versions not stated): gnomAD exomes below 0.00001; ExAC 0.00001; gnomAD 0.00001; TOPMed 0.00002.
gnomAD v4.1: 6 of 1,613,908 alleles (0.00037%); highest among the groups gnomAD compares: African/African-American, 0.008%; no homozygotes.

Submissions (2):

GeneDx
Classification: Uncertain significance. Last evaluated: 2024-12-04. Review status: criteria provided, single submitter. Criteria: GeneDx Variant Classification Process June 2021. Collection method: clinical testing. Allele origin: germline. Affected: yes.
Comment: Not observed at significant frequency in large population cohorts (gnomAD); Missense variant in a gene in which most reported pathogenic variants are truncating/loss of function; Has not been previously published as pathogenic or benign to our knowledge

Labcorp Genetics (formerly Invitae), Labcorp
Classification: Uncertain significance for Dilated cardiomyopathy 1G; Autosomal recessive limb-girdle muscular dystrophy type 2J. Last evaluated: 2024-07-21. Review status: criteria provided, single submitter. Criteria: Invitae Variant Classification Sherloc (09022015). Collection method: clinical testing. Allele origin: germline.
Comment: This sequence change replaces phenylalanine, which is neutral and non-polar, with serine, which is neutral and polar, at codon 35612 of the TTN protein (p.Phe35612Ser). This variant is present in population databases (rs762372340, gnomAD 0.007%). This variant has not been reported in the literature in individuals affected with TTN-related conditions. An algorithm developed to predict the effect of missense changes on protein structure and function outputs the following: PolyPhen-2: "Not Available". The serine amino acid residue is found in multiple mammalian species, which suggests that this missense change does not adversely affect protein function. This variant is located in the M band of TTN (PMID: 25589632). Non-truncating variants in this region may be relevant for neuromuscular disorders, but have not been definitively shown to cause cardiomyopathy (PMID: 23975875). In summary, the available evidence is currently insufficient to determine the role of this variant in disease. Therefore, it has been classified as a Variant of Uncertain Significance.

Literature cited by the submitters: PubMed 25589632 (cited by Labcorp Genetics (formerly Invitae), Labcorp); PubMed 23975875 (cited by Labcorp Genetics (formerly Invitae), Labcorp).

NM_001267550.2(TTN):c.106835T>C (p.Phe35612Ser)

Genes: TTN (titin; minus strand), TTN-AS1 (TTN antisense RNA 1; plus strand). Cytogenetic location: 2q31.2.
Variant type: single nucleotide variant.
Coding change: c.106835T>C on transcript NM_001267550.2 (MANE Select); coding-DNA position 106835, T replaced by C.
Protein change: p.Phe35612Ser; replaces phenylalanine 35612 with serine.
Molecular consequence: missense variant.
Genome position (GRCh38, 1-based): chr2:178,528,916, A>G on the plus strand (T>C on the coding strand, the complement: TTN is on the minus strand). VCF-style: chr2-178528916-A-G. GRCh37 (hg19) VCF-style: chr2-179393643-A-G.
Other names: c.101912T>C, p.Phe33971Ser (NM_001256850.1); c.79640T>C, p.Phe26547Ser (NM_003319.4); c.99131T>C, p.Phe33044Ser (NM_133378.4); c.80015T>C, p.Phe26672Ser (NM_133432.3); c.80216T>C, p.Phe26739Ser (NM_133437.4); short protein forms F26547S, F26672S, F26739S, F33044S, F33971S, F35612S.
Identifiers: ClinVar variation 2933896 (VCV002933896.3), dbSNP rs762372340, ClinGen allele CA1985038.